The following is an entry in ClinVar:

ClinVar aggregate classification (germline): Likely benign. Review status: criteria provided, multiple submitters, no conflicts (2 of 4 stars). 2 submissions from 2 submitters: Likely benign (2). Last evaluated 2026-03-27.

Conditions:
KCNV2-related disorder. Also called: KCNV2-related condition.

Allele frequency attached by ClinVar (database versions not stated): ExAC 0.00001; gnomAD exomes 0.00001 and 0.00004; ESP Exome Variant Server 0.00015.
gnomAD v4.1: 69 of 1,612,780 alleles (0.0043%); highest among the groups gnomAD compares: Non-Finnish European, 0.0056%; 1 homozygote.

Submissions (2):

PreventionGenetics, part of Exact Sciences
Classification: Likely benign for KCNV2-related condition. Last evaluated: 2026-03-27. Review status: criteria provided, single submitter. Criteria: ACMG Guidelines, 2015. Collection method: clinical testing. Allele origin: germline.
Comment: This variant is classified as likely benign based on ACMG/AMP sequence variant interpretation guidelines (Richards et al. 2015 PMID: 25741868, with internal and published modifications).

Labcorp Genetics (formerly Invitae), Labcorp
Classification: Likely benign. Last evaluated: 2025-03-05. Review status: criteria provided, single submitter. Criteria: Invitae Variant Classification Sherloc (09022015). Collection method: clinical testing. Allele origin: germline.

NM_133497.4(KCNV2):c.15T>C (p.Ser5=)

Gene: KCNV2 (potassium voltage-gated channel modifier subfamily V member 2; plus strand). Cytogenetic location: 9p24.2.
Variant type: single nucleotide variant.
Coding change: c.15T>C on transcript NM_133497.4 (MANE Select); coding-DNA position 15, T replaced by C.
Protein change: p.Ser5=; no amino-acid change (serine 5 retained).
Molecular consequence: synonymous variant.
Genome position (GRCh38, 1-based): chr9:2,717,754, T>C. VCF-style: chr9-2717754-T-C. GRCh37 (hg19) VCF-style: chr9-2717754-T-C.
Other names: c.15T>C (NM_133497.3).
Identifiers: ClinVar variation 1160532 (VCV001160532.10), dbSNP rs377071035, ClinGen allele CA4965284.